The following is an entry in ClinVar:

NM_018255.4(ELP2):c.692G>A (p.Cys231Tyr)

Gene: ELP2 (elongator acetyltransferase complex subunit 2; plus strand). Cytogenetic location: 18q12.2.
Variant type: single nucleotide variant.
Coding change: c.692G>A on transcript NM_018255.4 (MANE Select); coding-DNA position 692, G replaced by A.
Protein change: p.Cys231Tyr; replaces cysteine 231 with tyrosine.
Molecular consequence: missense variant. On other transcripts: non-coding transcript variant (4).
Genome position (GRCh38, 1-based): chr18:36,142,862, G>A. VCF-style: chr18-36142862-G-A. GRCh37 (hg19) VCF-style: chr18-33722825-G-A.
Other names: c.887G>A, p.Cys296Tyr (NM_001242875.3); c.809G>A, p.Cys270Tyr (NM_001242876.3, NM_001324466.2); c.614G>A, p.Cys205Tyr (NM_001242877.3, NM_001242878.3); c.482G>A, p.Cys161Tyr (NM_001242879.3); c.692G>A, p.Cys231Tyr (NM_001324465.2, NM_001324467.2); c.245G>A, p.Cys82Tyr (NM_001324468.2); short protein forms C161Y, C205Y, C231Y, C270Y, C296Y, C82Y.
Identifiers: ClinVar variation 3051931 (VCV003051931.2), dbSNP rs369928198, ClinGen allele CA8939711.

ClinVar aggregate classification (germline): Likely benign (0 of 4 stars; one submission).

Conditions:
ELP2-related disorder. Also called: ELP2-related condition; ELP2-Related Disorders.

Allele frequency attached by ClinVar (database versions not stated): TOPMed 0.00002; ESP Exome Variant Server 0.00008; gnomAD exomes 0.00026; 1000 Genomes Project 30x 0.00047; 1000 Genomes Project 0.00060; ExAC 0.00066.
gnomAD v4.1: 392 of 1,606,450 alleles (0.024%); highest among the groups gnomAD compares: South Asian, 0.42%; 6 homozygotes.

Submission:

PreventionGenetics, part of Exact Sciences
Classification: Likely benign for ELP2-related condition. Last evaluated: 2023-04-08. Review status: no assertion criteria provided. Collection method: clinical testing. Allele origin: germline.
Comment: This variant is classified as likely benign based on ACMG/AMP sequence variant interpretation guidelines (Richards et al. 2015 PMID: 25741868, with internal and published modifications).